The following is an entry in ClinVar:

ClinVar aggregate classification (germline): Benign. Review status: criteria provided, multiple submitters, no conflicts (2 of 4 stars). 4 submissions from 4 submitters: Benign (4). Last evaluated 2026-02-03.

Conditions:
Developmental and epileptic encephalopathy, 33 (DEE33). Also called: Epileptic encephalopathy, early infantile, 33. Identifiers: Orphanet 442835, MedGen C4225337, MONDO:0014625, OMIM 616409.

Allele frequency attached by ClinVar (database versions not stated): gnomAD exomes 0.03062 and 0.03256; ExAC 0.03210; 1000 Genomes Project 0.04173; 1000 Genomes Project 30x 0.04216; gnomAD 0.04690 and 0.04910; TOPMed 0.05008; ESP Exome Variant Server 0.05207.
gnomAD v4.1: 54,730 of 1,603,754 alleles (3.4%); highest among the groups gnomAD compares: African/African-American, 8.8%; 1,170 homozygotes.

Submissions (4):

Labcorp Genetics (formerly Invitae), Labcorp
Classification: Benign for Developmental and epileptic encephalopathy, 33. Last evaluated: 2026-02-03. Review status: criteria provided, single submitter. Criteria: Invitae Variant Classification Sherloc (09022015). Collection method: clinical testing. Allele origin: germline.

Blueprint Genetics
Classification: Benign. Last evaluated: 2024-11-28. Review status: criteria provided, single submitter. Criteria: ACMG Guidelines, 2015. Collection method: clinical testing. Allele origin: germline.

GeneDx
Classification: Benign. Last evaluated: 2016-01-12. Review status: criteria provided, single submitter. Criteria: GeneDx Variant Classification (06012015). Collection method: clinical testing. Allele origin: germline. Affected: yes.
Comment: This variant is considered likely benign or benign based on one or more of the following criteria: it is a conservative change, it occurs at a poorly conserved position in the protein, it is predicted to be benign by multiple in silico algorithms, and/or has population frequency not consistent with disease.

Breakthrough Genomics
Classification: Benign. Review status: criteria provided, single submitter. Criteria: ACMG Guidelines, 2015. Collection method: not provided. Allele origin: germline. Inheritance: Autosomal dominant inheritance. Affected: yes.

NM_001958.5(EEF1A2):c.1029+12C>T

Gene: EEF1A2 (eukaryotic translation elongation factor 1 alpha 2; minus strand). Cytogenetic location: 20q13.33.
Variant type: single nucleotide variant.
Coding change: c.1029+12C>T on transcript NM_001958.5 (MANE Select); 12 bases into the intron after coding-DNA position 1029, C replaced by T.
Molecular consequence: intron variant.
Genome position (GRCh38, 1-based): chr20:63,490,467, G>A on the plus strand (C>T on the coding strand, the complement: EEF1A2 is on the minus strand). VCF-style: chr20-63490467-G-A. GRCh37 (hg19) VCF-style: chr20-62121820-G-A.
Identifiers: ClinVar variation 382676 (VCV000382676.11), dbSNP rs45510898, ClinGen allele CA9958989.